The following is an entry in ClinVar:

ClinVar aggregate classification (germline): Uncertain significance (1 of 4 stars; one submission).

gnomAD v4.1: 2 of 1,542,920 alleles (0.00013%); highest among the groups gnomAD compares: Non-Finnish European, 0.00017%; no homozygotes.

Submission:

Women's Health and Genetics/Laboratory Corporation of America, LabCorp
Classification: Uncertain significance. Last evaluated: 2026-04-07. Review status: criteria provided, single submitter. Criteria: LabCorp Variant Classification Summary - May 2015. Collection method: clinical testing. Allele origin: germline.
Comment: Variant summary: SLC34A3 c.1675C>G (p.Leu559Val) results in a conservative amino acid change in the encoded protein sequence. Algorithms developed to predict the effect of missense changes on protein structure and function are either unavailable or do not agree on the potential impact of this missense change. The variant was absent in 148588 control chromosomes. The available data on variant occurrences in the general population are insufficient to allow any conclusion about variant significance. To our knowledge, no occurrence of c.1675C>G in individuals affected with SLC34A3-related conditions and no experimental evidence demonstrating its impact on protein function have been reported. No submitters have cited clinical-significance assessments for this variant to ClinVar. Based on the evidence outlined above, the variant was classified as uncertain significance.

NM_001177316.2(SLC34A3):c.1675C>G (p.Leu559Val)

Gene: SLC34A3 (solute carrier family 34 member 3; plus strand). Cytogenetic location: 9q34.3.
Variant type: single nucleotide variant.
Coding change: c.1675C>G on transcript NM_001177316.2 (MANE Select); coding-DNA position 1675, C replaced by G.
Protein change: p.Leu559Val; replaces leucine 559 with valine.
Molecular consequence: missense variant.
Genome position (GRCh38, 1-based): chr9:137,236,291, C>G. VCF-style: chr9-137236291-C-G. GRCh37 (hg19) VCF-style: chr9-140130743-C-G.
Other names: c.1675C>G, p.Leu559Val (NM_001177317.2, NM_080877.3); short protein forms L559V.
Identifiers: ClinVar variation 4848836 (VCV004848836.1).